The following is an entry in ClinVar:

NM_024422.6(DSC2):c.1720_1733del (p.Asn573_Ser574insTer)

Gene: DSC2 (desmocollin 2; minus strand). Cytogenetic location: 18q12.1.
Variant type: Deletion.
Coding change: c.1720_1733del on transcript NM_024422.6 (MANE Select); coding-DNA positions 1720 to 1733, 14 bases deleted (AGCCCATTCATACC).
Protein change: p.Asn573_Ser574insTer.
Molecular consequence: nonsense.
Genome position (GRCh38, 1-based): chr18:31,074,838-31,074,851, GGTATGAATGGGCT deleted on the plus strand (AGCCCATTCATACC on the coding strand, the reverse complement: DSC2 is on the minus strand); deleting any 14 consecutive bases within chr18:31,074,838-31,074,852 gives the same sequence; the c. name uses the placement nearest the transcript's 3' end. VCF-style (leftmost placement, unchanged base first): chr18-31074837-AGGTATGAATGGGCT-A. GRCh37 (hg19) VCF-style: chr18-28654803-AGGTATGAATGGGCT-A.
Other names: c.1720_1733del, p.Asn573_Ser574insTer (NM_004949.5).
Identifiers: ClinVar variation 1359544 (VCV001359544.6), dbSNP rs2144800227, ClinGen allele CA2573155211.

ClinVar aggregate classification (germline): Pathogenic (1 of 4 stars; one submission).

Conditions:
Arrhythmogenic right ventricular dysplasia 11. Also called: Arrhythmogenic right ventricular dysplasia 11 with mild palmoplantar keratoderma and woolly hair; Arrhythmogenic Right Ventricular Dysplasia/Cardiomyopathy11; ARRHYTHMOGENIC RIGHT VENTRICULAR DYSPLASIA, FAMILIAL, 11. Identifiers: MedGen C1864850, MONDO:0012506, OMIM 610476.

Submission:

Labcorp Genetics (formerly Invitae), Labcorp
Classification: Pathogenic for Arrhythmogenic right ventricular dysplasia 11. Last evaluated: 2022-01-27. Review status: criteria provided, single submitter. Criteria: Invitae Variant Classification Sherloc (09022015). Collection method: clinical testing. Allele origin: germline.
Comment: This sequence change creates a premature translational stop signal (p.Ser574*) in the DSC2 gene. It is expected to result in an absent or disrupted protein product. Loss-of-function variants in DSC2 are known to be pathogenic (PMID: 23911551). For these reasons, this variant has been classified as Pathogenic. This variant has not been reported in the literature in individuals affected with DSC2-related conditions. This variant is not present in population databases (gnomAD no frequency).

Literature cited by the submitters: PubMed 23911551.